The following is an entry in ClinVar:

ClinVar aggregate classification (germline): Uncertain significance (1 of 4 stars; one submission).

Conditions:
Inborn genetic diseases. Identifiers: MedGen C0950123, MeSH D030342.

Allele frequency attached by ClinVar (database versions not stated): gnomAD exomes 0.00001.
gnomAD v4.1: 3 of 1,612,862 alleles (0.00019%); no homozygotes.

Submission:

Ambry Genetics
Classification: Uncertain significance for Inborn genetic diseases. Last evaluated: 2022-06-07. Review status: criteria provided, single submitter. Criteria: Ambry Variant Classification Scheme 2023. Collection method: clinical testing. Allele origin: germline.
Comment: The p.A2201T variant (also known as c.6601G>A), located in coding exon 39 of the ATR gene, results from a G to A substitution at nucleotide position 6601. The alanine at codon 2201 is replaced by threonine, an amino acid with similar properties. This amino acid position is conserved. In addition, the in silico prediction for this alteration is inconclusive. Since supporting evidence is limited at this time, the clinical significance of this alteration remains unclear.

NM_001184.4(ATR):c.6601G>A (p.Ala2201Thr)

Gene: ATR (ATR checkpoint kinase; minus strand). Cytogenetic location: 3q23.
Variant type: single nucleotide variant.
Coding change: c.6601G>A on transcript NM_001184.4 (MANE Select); coding-DNA position 6601, G replaced by A.
Protein change: p.Ala2201Thr; replaces alanine 2201 with threonine.
Molecular consequence: missense variant.
Genome position (GRCh38, 1-based): chr3:142,468,020, C>T on the plus strand (G>A on the coding strand, the complement: ATR is on the minus strand). VCF-style: chr3-142468020-C-T. GRCh37 (hg19) VCF-style: chr3-142186862-C-T.
Other names: c.6409G>A, p.Ala2137Thr (NM_001354579.2); short protein forms A2137T, A2201T.
Identifiers: ClinVar variation 1754422 (VCV001754422.2), dbSNP rs2108276133, ClinGen allele CA354803620.